The following is an entry in ClinVar:

NM_003797.5(EED):c.553C>T (p.His185Tyr)

Gene: EED (embryonic ectoderm development; plus strand). Cytogenetic location: 11q14.2.
Variant type: single nucleotide variant.
Coding change: c.553C>T on transcript NM_003797.5 (MANE Select); coding-DNA position 553, C replaced by T.
Protein change: p.His185Tyr; replaces histidine 185 with tyrosine.
Molecular consequence: missense variant.
Genome position (GRCh38, 1-based): chr11:86,257,515, C>T. VCF-style: chr11-86257515-C-T. GRCh37 (hg19) VCF-style: chr11-85968557-C-T.
Other names: c.553C>T, p.His185Tyr (NM_001308007.2, NM_001330334.2); short protein forms H185Y.
Identifiers: ClinVar variation 3705619 (VCV003705619.2).

ClinVar aggregate classification (germline): Uncertain significance (1 of 4 stars; one submission).

Conditions:
Cohen-Gibson syndrome (COGIS). Also called: EED-Related Overgrowth. Identifiers: Orphanet 659396, MedGen C4479654, MONDO:0060510, OMIM 617561.

Submission:

Labcorp Genetics (formerly Invitae), Labcorp
Classification: Uncertain significance for Cohen-Gibson syndrome. Last evaluated: 2024-05-19. Review status: criteria provided, single submitter. Criteria: Invitae Variant Classification Sherloc (09022015). Collection method: clinical testing. Allele origin: germline.
Comment: This sequence change replaces histidine, which is basic and polar, with tyrosine, which is neutral and polar, at codon 185 of the EED protein (p.His185Tyr). This variant is not present in population databases (gnomAD no frequency). This variant has not been reported in the literature in individuals affected with EED-related conditions. An algorithm developed to predict the effect of missense changes on protein structure and function (PolyPhen-2) suggests that this variant is likely to be tolerated. In summary, the available evidence is currently insufficient to determine the role of this variant in disease. Therefore, it has been classified as a Variant of Uncertain Significance.